The following is an entry in ClinVar:

NM_024580.6(EFL1):c.1412T>C (p.Ile471Thr)

Gene: EFL1 (elongation factor like GTPase 1; minus strand). Cytogenetic location: 15q25.2.
Variant type: single nucleotide variant.
Coding change: c.1412T>C on transcript NM_024580.6 (MANE Select); coding-DNA position 1412, T replaced by C.
Protein change: p.Ile471Thr; replaces isoleucine 471 with threonine.
Molecular consequence: missense variant. On other transcripts: non-coding transcript variant (1).
Genome position (GRCh38, 1-based): chr15:82,220,110, A>G on the plus strand (T>C on the coding strand, the complement: EFL1 is on the minus strand). VCF-style: chr15-82220110-A-G. GRCh37 (hg19) VCF-style: chr15-82512451-A-G.
Other names: c.1259T>C, p.Ile420Thr (NM_001040610.3); c.623T>C, p.Ile208Thr (NM_001322844.2); c.1412T>C, p.Ile471Thr (NM_001322845.2); short protein forms I420T, I471T, I208T.
Identifiers: ClinVar variation 1428319 (VCV001428319.3), dbSNP rs370638936, ClinGen allele CA7697993.

ClinVar aggregate classification (germline): Uncertain significance (1 of 4 stars; one submission).

Allele frequency attached by ClinVar (database versions not stated): gnomAD exomes 0.00002 and 0.00006; ExAC 0.00007; gnomAD 0.00007 and 0.00008; TOPMed 0.00007; ESP Exome Variant Server 0.00008.

Submission:

Labcorp Genetics (formerly Invitae), Labcorp
Classification: Uncertain significance. Last evaluated: 2022-08-16. Review status: criteria provided, single submitter. Criteria: Invitae Variant Classification Sherloc (09022015). Collection method: clinical testing. Allele origin: germline.
Comment: This sequence change replaces isoleucine, which is neutral and non-polar, with threonine, which is neutral and polar, at codon 471 of the EFL1 protein (p.Ile471Thr). This variant is present in population databases (rs370638936, gnomAD 0.02%). This variant has not been reported in the literature in individuals affected with EFL1-related conditions. ClinVar contains an entry for this variant (Variation ID: 1428319). Algorithms developed to predict the effect of missense changes on protein structure and function (SIFT, PolyPhen-2, Align-GVGD) all suggest that this variant is likely to be tolerated. In summary, the available evidence is currently insufficient to determine the role of this variant in disease. Therefore, it has been classified as a Variant of Uncertain Significance.